The following is an entry in ClinVar:

NM_004006.3(DMD):c.6887A>G (p.Lys2296Arg)

Gene: DMD (dystrophin; minus strand). Cytogenetic location: Xp21.1.
Variant type: single nucleotide variant.
Coding change: c.6887A>G on transcript NM_004006.3 (MANE Select); coding-DNA position 6887, A replaced by G.
Protein change: p.Lys2296Arg; replaces lysine 2296 with arginine.
Molecular consequence: missense variant. On other transcripts: 5 prime UTR variant (5).
Genome position (GRCh38, 1-based): chrX:31,929,621, T>C on the plus strand (A>G on the coding strand, the complement: DMD is on the minus strand). VCF-style: chrX-31929621-T-C. GRCh37 (hg19) VCF-style: chrX-31947738-T-C.
Other names: c.6863A>G, p.Lys2288Arg (NM_000109.4); c.6875A>G, p.Lys2292Arg (NM_004009.3); c.6518A>G, p.Lys2173Arg (NM_004010.3); c.2864A>G, p.Lys955Arg (NM_004011.4); c.2855A>G, p.Lys952Arg (NM_004012.4); c.-494A>G (NM_004013.3, NM_004020.4, NM_004021.3 and 2 more transcripts); short protein forms K2288R, K2296R, K952R, K955R, K2292R, K2173R.
Identifiers: ClinVar variation 4753235 (VCV004753235.1).

ClinVar aggregate classification (germline): Uncertain significance (1 of 4 stars; one submission).

Conditions:
Duchenne muscular dystrophy (DMD). Also called: MUSCULAR DYSTROPHY, PSEUDOHYPERTROPHIC PROGRESSIVE, DUCHENNE TYPE; Duchenne Muscular Dystrophy (DMD). Identifiers: Orphanet 98896, MedGen C0013264, MONDO:0010679, OMIM 310200.

gnomAD v4.1: 5 of 1,209,498 alleles (0.00041%); highest among the groups gnomAD compares: African/African-American, 0.0018%; no homozygotes.

Submission:

Labcorp Genetics (formerly Invitae), Labcorp
Classification: Uncertain significance for Duchenne muscular dystrophy. Last evaluated: 2025-04-17. Review status: criteria provided, single submitter. Criteria: Invitae Variant Classification Sherloc (09022015). Collection method: clinical testing. Allele origin: germline.
Comment: This sequence change replaces lysine, which is basic and polar, with arginine, which is basic and polar, at codon 2296 of the DMD protein (p.Lys2296Arg). The frequency data for this variant in the population databases is considered unreliable, as metrics indicate poor data quality at this position in the gnomAD database. This variant has not been reported in the literature in individuals affected with DMD-related conditions. Invitae Evidence Modeling of protein sequence and biophysical properties (such as structural, functional, and spatial information, amino acid conservation, physicochemical variation, residue mobility, and thermodynamic stability) indicates that this missense variant is not expected to disrupt DMD protein function with a negative predictive value of 95%. In summary, the available evidence is currently insufficient to determine the role of this variant in disease. Therefore, it has been classified as a Variant of Uncertain Significance.